The following is an entry in ClinVar:

NM_001189.4(NKX3-2):c.112G>A (p.Gly38Ser)

Gene: NKX3-2 (NK3 homeobox 2; minus strand). Cytogenetic location: 4p15.33.
Variant type: single nucleotide variant.
Coding change: c.112G>A on transcript NM_001189.4 (MANE Select); coding-DNA position 112, G replaced by A.
Protein change: p.Gly38Ser; replaces glycine 38 with serine.
Molecular consequence: missense variant.
Genome position (GRCh38, 1-based): chr4:13,544,303, C>T on the plus strand (G>A on the coding strand, the complement: NKX3-2 is on the minus strand). VCF-style: chr4-13544303-C-T. GRCh37 (hg19) VCF-style: chr4-13545927-C-T.
Other names: short protein forms G38S.
Identifiers: ClinVar variation 1478868 (VCV001478868.8), dbSNP rs750145643, ClinGen allele CA2860486.

ClinVar aggregate classification (germline): Uncertain significance (1 of 4 stars; one submission).

Submission:

Labcorp Genetics (formerly Invitae), Labcorp
Classification: Uncertain significance. Last evaluated: 2021-05-27. Review status: criteria provided, single submitter. Criteria: Invitae Variant Classification Sherloc (09022015). Collection method: clinical testing. Allele origin: germline.
Comment: The frequency data for this variant in the population databases is considered unreliable, as metrics indicate poor data quality at this position in the ExAC database. In summary, the available evidence is currently insufficient to determine the role of this variant in disease. Therefore, it has been classified as a Variant of Uncertain Significance. Algorithms developed to predict the effect of missense changes on protein structure and function output the following: SIFT: "Tolerated"; PolyPhen-2: "Benign"; Align-GVGD: "Class C0". The serine amino acid residue is found in multiple mammalian species, suggesting that this missense change does not adversely affect protein function. These predictions have not been confirmed by published functional studies and their clinical significance is uncertain. This variant has not been reported in the literature in individuals with NKX3-2-related conditions. This sequence change replaces glycine with serine at codon 38 of the NKX3-2 protein (p.Gly38Ser). The glycine residue is moderately conserved and there is a small physicochemical difference between glycine and serine.